The following is an entry in ClinVar:

NM_017780.4(CHD7):c.8197G>A (p.Ala2733Thr)

Gene: CHD7 (chromodomain helicase DNA binding protein 7; plus strand). Cytogenetic location: 8q12.2.
Variant type: single nucleotide variant.
Coding change: c.8197G>A on transcript NM_017780.4 (MANE Select); coding-DNA position 8197, G replaced by A.
Protein change: p.Ala2733Thr; replaces alanine 2733 with threonine.
Molecular consequence: missense variant.
Genome position (GRCh38, 1-based): chr8:60,865,136, G>A. VCF-style: chr8-60865136-G-A. GRCh37 (hg19) VCF-style: chr8-61777695-G-A.
Other names: c.8197G>A (NM_017780.3); c.2050G>A, p.Ala684Thr (NM_001316690.1); short protein forms A2733T, A684T.
Identifiers: ClinVar variation 1409097 (VCV001409097.34), dbSNP rs370231679, ClinGen allele CA4760967.

ClinVar aggregate classification (germline): Conflicting classifications of pathogenicity. Review status: criteria provided, conflicting classifications (1 of 4 stars). 6 submissions from 6 submitters: Uncertain significance (5); Benign (1). Last evaluated 2026-01-11.

Conditions:
Inborn genetic diseases. Identifiers: MedGen C0950123, MeSH D030342.
CHD7-related disorder. Also called: CHD7-related condition.
CHARGE syndrome (CHARGE). Also called: Hittner Hirsch Kreh syndrome; CHARGE ASSOCIATION--COLOBOMA, HEART ANOMALY, CHOANAL ATRESIA, RETARDATION, GENITAL AND EAR ANOMALIES; Coloboma, heart anomaly, choanal atresia, retardation, genital and ear anomalies; CHARGE association; Hall-Hittner syndrome. Identifiers: Orphanet 138, MedGen C0265354, MONDO:0008965.
Cleft palate. Identifiers: Orphanet 2014, MedGen C2981150, MONDO:0016064, HP:0000175.

Allele frequency attached by ClinVar (database versions not stated): gnomAD exomes 0.00002; TOPMed 0.00002; ExAC 0.00003; gnomAD 0.00003; ESP Exome Variant Server 0.00016.
gnomAD v4.1: 36 of 1,611,568 alleles (0.0022%); highest among the groups gnomAD compares: Admixed American, 0.0033%; no homozygotes.

Submissions (6):

Labcorp Genetics (formerly Invitae), Labcorp
Classification: Benign for CHARGE syndrome. Last evaluated: 2026-01-11. Review status: criteria provided, single submitter. Criteria: Invitae Variant Classification Sherloc (09022015). Collection method: clinical testing. Allele origin: germline.

PreventionGenetics, part of Exact Sciences
Classification: Uncertain significance for CHD7-related condition. Last evaluated: 2025-03-01. Review status: criteria provided, single submitter. Criteria: ACMG Guidelines, 2015. Collection method: clinical testing. Allele origin: germline.
Comment: The CHD7 c.8197G>A variant is predicted to result in the amino acid substitution p.Ala2733Thr. This variant was reported with uncertain significance in an individual with CHARGE syndrome (Accession no 901480, Bartels et al. 2010. PubMed ID: 21158681). This variant is reported in 0.0069% of alleles in individuals of African descent in gnomAD. At this time, the clinical significance of this variant is uncertain due to the absence of conclusive functional and genetic evidence.

CeGaT Center for Human Genetics Tuebingen
Classification: Uncertain significance. Last evaluated: 2024-09-01. Review status: criteria provided, single submitter. Criteria: CeGaT Center For Human Genetics Tuebingen Variant Classification Criteria Version 2. Collection method: clinical testing. Allele origin: germline. Affected: yes. Observed: 2 variant alleles.
Comment: CHD7: PM2, BP4

Ambry Genetics
Classification: Uncertain significance for Inborn genetic diseases. Last evaluated: 2021-07-27. Review status: criteria provided, single submitter. Criteria: Ambry Variant Classification Scheme 2023. Collection method: clinical testing. Allele origin: germline.
Comment: Bartels, 2010 Based on insufficient or conflicting evidence, the clinical significance of this alteration remains unclear.

Cambridge Genomics Laboratory, East Genomic Laboratory Hub, NHS Genomic Medicine Service
Classification: Uncertain significance for Cleft palate. Last evaluated: 2019-09-11. Review status: criteria provided, single submitter. Criteria: ACGS Best Practice Guidelines for Variant Classification in Rare Disease 2020. Collection method: clinical testing. Allele origin: germline. Affected: yes. Observed: 1 variant allele.

Breakthrough Genomics
Classification: Uncertain significance. Review status: criteria provided, single submitter. Criteria: ACMG Guidelines, 2015. Collection method: not provided. Allele origin: germline. Inheritance: Autosomal recessive inheritance. Affected: yes.

Literature cited by the submitters: PubMed 21158681 (cited by Ambry Genetics).